The following is an entry in ClinVar:

ClinVar aggregate classification (germline): Uncertain significance (1 of 4 stars; one submission).

Allele frequency attached by ClinVar (database versions not stated): TOPMed 0.00005; ExAC 0.00006; gnomAD 0.00007; gnomAD exomes 0.00015.
gnomAD v4.1: 224 of 1,613,936 alleles (0.014%); highest among the groups gnomAD compares: Non-Finnish European, 0.019%; 1 homozygote.

Submission:

GeneDx
Classification: Uncertain significance. Last evaluated: 2023-03-22. Review status: criteria provided, single submitter. Criteria: GeneDx Variant Classification Process June 2021. Collection method: clinical testing. Allele origin: germline. Affected: yes.
Comment: Has not been previously published as pathogenic or benign to our knowledge; In silico analysis supports that this missense variant does not alter protein structure/function

NM_058004.4(PI4KA):c.4598T>G (p.Ile1533Ser)

Gene: PI4KA (phosphatidylinositol 4-kinase alpha; minus strand). Cytogenetic location: 22q11.21.
Variant type: single nucleotide variant.
Coding change: c.4598T>G on transcript NM_058004.4 (MANE Select); coding-DNA position 4598, T replaced by G.
Protein change: p.Ile1533Ser; replaces isoleucine 1533 with serine.
Molecular consequence: missense variant.
Genome position (GRCh38, 1-based): chr22:20,729,397, A>C on the plus strand (T>G on the coding strand, the complement: PI4KA is on the minus strand). VCF-style: chr22-20729397-A-C. GRCh37 (hg19) VCF-style: chr22-21083685-A-C.
Other names: c.4505T>G, p.Ile1502Ser (NM_001362862.2); c.4532T>G, p.Ile1511Ser (NM_001362863.2); short protein forms I1502S, I1511S, I1533S.
Identifiers: ClinVar variation 2446152 (VCV002446152.1), dbSNP rs202017729, ClinGen allele CA10115021.